The following is an entry in ClinVar:

ClinVar aggregate classification (germline): Uncertain significance (1 of 4 stars; one submission).

Allele frequency attached by ClinVar (database versions not stated): gnomAD exomes below 0.00001.
gnomAD v4.1: 3 of 1,613,856 alleles (0.00019%); highest among the groups gnomAD compares: Non-Finnish European, 0.00017%; no homozygotes.

Submission:

Labcorp Genetics (formerly Invitae), Labcorp
Classification: Uncertain significance. Last evaluated: 2022-08-09. Review status: criteria provided, single submitter. Criteria: Invitae Variant Classification Sherloc (09022015). Collection method: clinical testing. Allele origin: germline.
Comment: This sequence change replaces serine, which is neutral and polar, with tyrosine, which is neutral and polar, at codon 1485 of the ADGRV1 protein (p.Ser1485Tyr). This variant is not present in population databases (gnomAD no frequency). This variant has not been reported in the literature in individuals affected with ADGRV1-related conditions. Algorithms developed to predict the effect of missense changes on protein structure and function are either unavailable or do not agree on the potential impact of this missense change (SIFT: "Deleterious"; PolyPhen-2: "Probably Damaging"; Align-GVGD: "Class C0"). In summary, the available evidence is currently insufficient to determine the role of this variant in disease. Therefore, it has been classified as a Variant of Uncertain Significance.

NM_032119.4(ADGRV1):c.4454C>A (p.Ser1485Tyr)

Gene: ADGRV1 (adhesion G protein-coupled receptor V1; plus strand). Cytogenetic location: 5q14.3.
Variant type: single nucleotide variant.
Coding change: c.4454C>A on transcript NM_032119.4 (MANE Select); coding-DNA position 4454, C replaced by A.
Protein change: p.Ser1485Tyr; replaces serine 1485 with tyrosine.
Molecular consequence: missense variant. On other transcripts: non-coding transcript variant (1).
Genome position (GRCh38, 1-based): chr5:90,657,980, C>A. VCF-style: chr5-90657980-C-A. GRCh37 (hg19) VCF-style: chr5-89953797-C-A.
Other names: short protein forms S1485Y.
Identifiers: ClinVar variation 1942573 (VCV001942573.2), dbSNP rs1769663394, ClinGen allele CA360403633.
Genomic context (GRCh38, chr5:90,657,980, plus strand): 5'-GAATTGGAGCAGGGATAAATGGCAATGACAGATTTACAGGTCTGATGCAGGATGTGAGGT[C>A]CTATGAGCGGAAACTGACGCTTGAAGAAATTTATGAACTTCATGCCATGCCCGCAAAAAG-3'
Protein context (NP_115495.3, residues 1475-1495): RFTGLMQDVR[Ser1485Tyr]YERKLTLEEI